The following is an entry in ClinVar:

ClinVar aggregate classification (germline): Uncertain significance (1 of 4 stars; one submission).

Submission:

Labcorp Genetics (formerly Invitae), Labcorp
Classification: Uncertain significance. Last evaluated: 2024-12-04. Review status: criteria provided, single submitter. Criteria: Invitae Variant Classification Sherloc (09022015). Collection method: clinical testing. Allele origin: germline.
Comment: This sequence change replaces isoleucine, which is neutral and non-polar, with phenylalanine, which is neutral and non-polar, at codon 890 of the POLE protein (p.Ile890Phe). This variant is not present in population databases (gnomAD no frequency). This variant has not been reported in the literature in individuals affected with POLE-related conditions. Invitae Evidence Modeling of protein sequence and biophysical properties (such as structural, functional, and spatial information, amino acid conservation, physicochemical variation, residue mobility, and thermodynamic stability) indicates that this missense variant is not expected to disrupt POLE protein function with a negative predictive value of 80%. In summary, the available evidence is currently insufficient to determine the role of this variant in disease. Therefore, it has been classified as a Variant of Uncertain Significance.

NM_006231.4(POLE):c.2668A>T (p.Ile890Phe)

Gene: POLE (DNA polymerase epsilon, catalytic subunit; minus strand). Cytogenetic location: 12q24.33.
Variant type: single nucleotide variant.
Coding change: c.2668A>T on transcript NM_006231.4 (MANE Select); coding-DNA position 2668, A replaced by T.
Protein change: p.Ile890Phe; replaces isoleucine 890 with phenylalanine.
Molecular consequence: missense variant.
Genome position (GRCh38, 1-based): chr12:132,664,042, T>A on the plus strand (A>T on the coding strand, the complement: POLE is on the minus strand). VCF-style: chr12-132664042-T-A. GRCh37 (hg19) VCF-style: chr12-133240628-T-A.
Other names: short protein forms I890F.
Identifiers: ClinVar variation 3708208 (VCV003708208.2).